The following is an entry in ClinVar:

ClinVar aggregate classification (germline): Uncertain significance. Review status: criteria provided, multiple submitters, no conflicts (2 of 4 stars). 5 submissions from 5 submitters: Uncertain significance (5). Last evaluated 2024-10-18.

Conditions:
Charcot-Marie-Tooth disease. Also called: Charcot-Marie-Tooth Neuropathy; Charcot-Marie-Tooth Hereditary Neuropathy. Identifiers: Orphanet 166, MedGen C0007959, MONDO:0015626.
Cardiomyopathy (CMYO). Also called: Cardiomyopathies. Identifiers: Orphanet 167848, MedGen C0878544, MONDO:0004994, HP:0001638. Inheritance: Various modes of inheritance.

gnomAD v4.1: 16 of 1,613,482 alleles (0.00099%); highest among the groups gnomAD compares: South Asian, 0.015%; no homozygotes.

Submissions (5):

Blueprint Genetics
Classification: Uncertain significance. Last evaluated: 2024-10-18. Review status: criteria provided, single submitter. Criteria: ACMG Guidelines, 2015. Collection method: clinical testing. Allele origin: germline.

Color Diagnostics, LLC DBA Color Health
Classification: Uncertain significance for Cardiomyopathy. Last evaluated: 2024-05-13. Review status: criteria provided, single submitter. Criteria: ACMG Guidelines, 2015. Collection method: clinical testing. Allele origin: germline.
Comment: This missense variant replaces isoleucine with methionine at codon 299 of the LMNA protein. Computational prediction tools indicate that this variant's impact on protein structure and function is inconclusive. To our knowledge, functional studies have not been reported for this variant. This variant has not been reported in individuals affected with LMNA-related disorders in the literature. This variant has been identified in 2/250218 chromosomes in the general population by the Genome Aggregation Database (gnomAD). The available evidence is insufficient to determine the role of this variant in disease conclusively. Therefore, this variant is classified as a Variant of Uncertain Significance.

GeneDx
Classification: Uncertain significance. Last evaluated: 2022-11-22. Review status: criteria provided, single submitter. Criteria: GeneDx Variant Classification Process June 2021. Collection method: clinical testing. Allele origin: germline. Affected: yes.
Comment: Not observed at significant frequency in large population cohorts (gnomAD); In silico analysis supports that this missense variant does not alter protein structure/function; Has not been previously published as pathogenic or benign to our knowledge; This variant is associated with the following publications: (PMID: 10939567)

Eurofins Ntd Llc (ga)
Classification: Uncertain significance. Last evaluated: 2015-09-14. Review status: criteria provided, single submitter. Criteria: EGL Classification Definitions 2015. Collection method: clinical testing. Allele origin: germline. Observed: 1 variant allele, 1 heterozygote.

Molecular Genetics Laboratory, London Health Sciences Centre
Classification: Uncertain significance for Charcot-Marie-Tooth disease. Review status: criteria provided, single submitter. Criteria: ACMG Guidelines, 2015. Collection method: clinical testing. Allele origin: germline. Affected: yes.

NM_170707.4(LMNA):c.897C>G (p.Ile299Met)

Gene: LMNA (lamin A/C; plus strand). Cytogenetic location: 1q22.
Variant type: single nucleotide variant.
Coding change: c.897C>G on transcript NM_170707.4 (MANE Select); coding-DNA position 897, C replaced by G.
Protein change: p.Ile299Met; replaces isoleucine 299 with methionine.
Molecular consequence: missense variant.
Genome position (GRCh38, 1-based): chr1:156,135,273, C>G. VCF-style: chr1-156135273-C-G. GRCh37 (hg19) VCF-style: chr1-156105064-C-G.
Other names: c.561C>G, p.Ile187Met (NM_001257374.3); c.654C>G, p.Ile218Met (NM_001282624.2); c.897C>G, p.Ile299Met (NM_001282625.2, NM_001282626.2, NM_005572.4 and 1 more transcripts); short protein forms I299M, I187M, I218M.
Identifiers: ClinVar variation 283398 (VCV000283398.12), dbSNP rs762718963, ClinGen allele CA054634.